The following is an entry in ClinVar:

ClinVar aggregate classification (germline): Uncertain significance (1 of 4 stars; one submission).

Submission:

Labcorp Genetics (formerly Invitae), Labcorp
Classification: Uncertain significance. Last evaluated: 2023-07-31. Review status: criteria provided, single submitter. Criteria: Invitae Variant Classification Sherloc (09022015). Collection method: clinical testing. Allele origin: germline.
Comment: This sequence change replaces glutamine, which is neutral and polar, with histidine, which is basic and polar, at codon 341 of the POC5 protein (p.Gln341His). This variant is not present in population databases (gnomAD no frequency). This variant has not been reported in the literature in individuals affected with POC5-related conditions. Algorithms developed to predict the effect of missense changes on protein structure and function output the following: SIFT: "Not Available"; PolyPhen-2: "Probably Damaging"; Align-GVGD: "Not Available". The histidine amino acid residue is found in multiple mammalian species, which suggests that this missense change does not adversely affect protein function. In summary, the available evidence is currently insufficient to determine the role of this variant in disease. Therefore, it has been classified as a Variant of Uncertain Significance.

NM_001099271.2(POC5):c.1023A>C (p.Gln341His)

Gene: POC5 (POC5 centriolar protein; minus strand). Cytogenetic location: 5q13.3.
Variant type: single nucleotide variant.
Coding change: c.1023A>C on transcript NM_001099271.2 (MANE Select); coding-DNA position 1023, A replaced by C.
Protein change: p.Gln341His; replaces glutamine 341 with histidine.
Molecular consequence: missense variant.
Genome position (GRCh38, 1-based): chr5:75,689,118, T>G on the plus strand (A>C on the coding strand, the complement: POC5 is on the minus strand). VCF-style: chr5-75689118-T-G. GRCh37 (hg19) VCF-style: chr5-74984943-T-G.
Other names: c.948A>C, p.Gln316His (NM_152408.3); short protein forms Q316H, Q341H.
Identifiers: ClinVar variation 2747500 (VCV002747500.3), dbSNP rs2478818222, ClinGen allele CA360145791.